The following is an entry in ClinVar:

NM_024747.6(HPS6):c.512G>C (p.Ser171Thr)

Gene: HPS6 (HPS6 biogenesis of lysosomal organelles complex 2 subunit 3; plus strand). Cytogenetic location: 10q24.32.
Variant type: single nucleotide variant.
Coding change: c.512G>C on transcript NM_024747.6 (MANE Select); coding-DNA position 512, G replaced by C.
Protein change: p.Ser171Thr; replaces serine 171 with threonine.
Molecular consequence: missense variant.
Genome position (GRCh38, 1-based): chr10:102,065,986, G>C. VCF-style: chr10-102065986-G-C. GRCh37 (hg19) VCF-style: chr10-103825743-G-C.
Other names: c.512G>C (NM_024747.5); short protein forms S171T.
Identifiers: ClinVar variation 1435797 (VCV001435797.7), dbSNP rs202026453, ClinGen allele CA5659794.

ClinVar aggregate classification (germline): Uncertain significance. Review status: criteria provided, multiple submitters, no conflicts (2 of 4 stars). 3 submissions from 3 submitters: Uncertain significance (3). Last evaluated 2026-04-18.

Conditions:
Inborn genetic diseases. Identifiers: MedGen C0950123, MeSH D030342.

Allele frequency attached by ClinVar (database versions not stated): 1000 Genomes Project 30x 0.00062.
gnomAD v4.1: 15 of 1,600,508 alleles (0.00094%); highest among the groups gnomAD compares: African/African-American, 0.019%; no homozygotes.

Submissions (3):

GeneDx
Classification: Uncertain significance. Last evaluated: 2026-04-18. Review status: criteria provided, single submitter. Criteria: GeneDx Variant Classification Process June 2021. Collection method: clinical testing. Allele origin: germline.
Comment: In silico analysis suggests that this missense variant does not alter protein structure/function; Has not been previously published as pathogenic or benign to our knowledge

Ambry Genetics
Classification: Uncertain significance for Inborn genetic diseases. Last evaluated: 2025-04-11. Review status: criteria provided, single submitter. Criteria: Ambry Variant Classification Scheme 2023. Collection method: clinical testing. Allele origin: germline.

Labcorp Genetics (formerly Invitae), Labcorp
Classification: Uncertain significance. Last evaluated: 2021-09-24. Review status: criteria provided, single submitter. Criteria: Invitae Variant Classification Sherloc (09022015). Collection method: clinical testing. Allele origin: germline.
Comment: This sequence change replaces serine with threonine at codon 171 of the HPS6 protein (p.Ser171Thr). The serine residue is moderately conserved and there is a small physicochemical difference between serine and threonine. This variant is present in population databases (rs202026453, ExAC 0.03%). This variant has not been reported in the literature in individuals with HPS6-related conditions. Algorithms developed to predict the effect of missense changes on protein structure and function (SIFT, PolyPhen-2, Align-GVGD) all suggest that this variant is likely to be tolerated, but these predictions have not been confirmed by published functional studies and their clinical significance is uncertain. In summary, the available evidence is currently insufficient to determine the role of this variant in disease. Therefore, it has been classified as a Variant of Uncertain Significance.